The following is an entry in ClinVar:

ClinVar aggregate classification (germline): Pathogenic. Review status: criteria provided, multiple submitters, no conflicts (2 of 4 stars). 3 submissions from 3 submitters: Pathogenic (2). 1 of the submissions does not count toward it. Last evaluated 2023-07-19.

Conditions:
Junctional epidermolysis bullosa gravis of Herlitz. Also called: EPIDERMOLYSIS BULLOSA, JUNCTIONAL 1B, SEVERE; Epidermolysis Bullosa Letalis; EPIDERMOLYSIS BULLOSA JUNCTIONALIS, HERLITZ TYPE; EPIDERMOLYSIS BULLOSA, JUNCTIONAL, HERLITZ-PEARSON TYPE; JEB-HERLITZ TYPE; Herlitz-type junctional epidermolysis bullosa. Identifiers: Orphanet 79404, MedGen C0079683, MONDO:0009182, OMIM 226700.

Allele frequency attached by ClinVar (database versions not stated): gnomAD exomes below 0.00001; ExAC 0.00001.
gnomAD v4.1: 14 of 1,614,004 alleles (0.00087%); highest among the groups gnomAD compares: South Asian, 0.0011%; no homozygotes.

Submissions (3):

Labcorp Genetics (formerly Invitae), Labcorp
Classification: Pathogenic. Last evaluated: 2023-07-19. Review status: criteria provided, single submitter. Criteria: Invitae Variant Classification Sherloc (09022015). Collection method: clinical testing. Allele origin: germline.
Comment: For these reasons, this variant has been classified as Pathogenic. Algorithms developed to predict the effect of sequence changes on RNA splicing suggest that this variant may disrupt the consensus splice site. ClinVar contains an entry for this variant (Variation ID: 555355). This premature translational stop signal has been observed in individual(s) with autosomal recessive epidermolysis bullosa (PMID: 16473856, 33274474). This variant is present in population databases (rs768415785, gnomAD 0.0009%). This sequence change creates a premature translational stop signal (p.Arg1001*) in the LAMA3 gene. It is expected to result in an absent or disrupted protein product. Loss-of-function variants in LAMA3 are known to be pathogenic (PMID: 10366601, 11810295, 12915477, 16473856, 17362460, 22434185, 23869449, 27827380, 28087116).

Women's Health and Genetics/Laboratory Corporation of America, LabCorp
Classification: Pathogenic for Junctional epidermolysis bullosa gravis of Herlitz. Last evaluated: 2019-11-04. Review status: criteria provided, single submitter. Criteria: LabCorp Variant Classification Summary - May 2015. Collection method: clinical testing. Allele origin: germline.
Comment: Variant summary: LAMA3 c.3001C>T (p.Arg1001X) results in a premature termination codon, predicted to cause a truncation of the encoded protein or absence of the protein due to nonsense mediated decay, which are commonly known mechanisms for disease. At-least one splice variant downstream of this position has been classified as pathogenic by our laboratory. The variant allele was found at a frequency of 4e-06 in 251394 control chromosomes. c.3001C>T has been reported in the literature in compound heterozygosity with another truncating alteration in at-least one individual affected with Herlitz Junctional Epidermolysis Bullosa (hemidesmosomal variants of EB (HEB), Varki_2006). To our knowledge, no experimental evidence demonstrating an impact on protein function has been reported. Two clinical diagnostic laboratories have submitted clinical-significance assessments for this variant to ClinVar after 2014 without evidence for independent evaluation. One laboratory classified the variant as likely pathogenic, and another classified the variant as uncertain significance. Based on the well established etiology of loss of function variants in the pathophysiology of JEB and the evidence outlined above, the variant was classified as pathogenic.

Counsyl
Classification: Likely pathogenic for Junctional epidermolysis bullosa gravis of Herlitz. Last evaluated: 2017-12-01. Review status: no assertion criteria provided. Collection method: clinical testing. Allele origin: unknown. Not counted in ClinVar's aggregate classification.

Literature cited by the submitters: PubMed 16473856 (cited by 3 submitters); PubMed 33274474 (cited by Labcorp Genetics (formerly Invitae), Labcorp); PubMed 10366601 (cited by Labcorp Genetics (formerly Invitae), Labcorp); PubMed 11810295 (cited by Labcorp Genetics (formerly Invitae), Labcorp); PubMed 12915477 (cited by Labcorp Genetics (formerly Invitae), Labcorp); PubMed 17362460 (cited by Labcorp Genetics (formerly Invitae), Labcorp); PubMed 22434185 (cited by Labcorp Genetics (formerly Invitae), Labcorp); PubMed 23869449 (cited by Labcorp Genetics (formerly Invitae), Labcorp); PubMed 27827380 (cited by Labcorp Genetics (formerly Invitae), Labcorp); PubMed 28087116 (cited by Labcorp Genetics (formerly Invitae), Labcorp); PubMed 25525159 (cited by Counsyl).

NM_198129.4(LAMA3):c.7828C>T (p.Arg2610Ter)

Gene: LAMA3 (laminin subunit alpha 3; plus strand). Cytogenetic location: 18q11.2.
Variant type: single nucleotide variant.
Coding change: c.7828C>T on transcript NM_198129.4 (MANE Select); coding-DNA position 7828, C replaced by T.
Protein change: p.Arg2610Ter; replaces arginine 2610 with a stop codon.
Molecular consequence: nonsense.
Genome position (GRCh38, 1-based): chr18:23,916,600, C>T. VCF-style: chr18-23916600-C-T. GRCh37 (hg19) VCF-style: chr18-21496564-C-T.
Other names: c.3001C>T, p.Arg1001Ter (NM_000227.6); c.7660C>T, p.Arg2554Ter (NM_001127717.4); c.2833C>T, p.Arg945Ter (NM_001127718.4); short protein forms R1001*, R2610*, R2554*, R945*.
Identifiers: ClinVar variation 555355 (VCV000555355.13), dbSNP rs768415785, ClinGen allele CA8916763.